The following is an entry in ClinVar:

NM_172362.3(KCNH1):c.2684G>A (p.Gly895Asp)

Gene: KCNH1 (potassium voltage-gated channel subfamily H member 1; minus strand). Cytogenetic location: 1q32.2.
Variant type: single nucleotide variant.
Coding change: c.2684G>A on transcript NM_172362.3 (MANE Select); coding-DNA position 2684, G replaced by A.
Protein change: p.Gly895Asp; replaces glycine 895 with aspartic acid.
Molecular consequence: missense variant.
Genome position (GRCh38, 1-based): chr1:210,683,567, C>T on the plus strand (G>A on the coding strand, the complement: KCNH1 is on the minus strand). VCF-style: chr1-210683567-C-T. GRCh37 (hg19) VCF-style: chr1-210856909-C-T.
Other names: c.2603G>A, p.Gly868Asp (NM_002238.4); short protein forms G868D, G895D.
Identifiers: ClinVar variation 2639881 (VCV002639881.24), dbSNP rs2546369287, ClinGen allele CA344870652.

ClinVar aggregate classification (germline): Uncertain significance (1 of 4 stars; one submission).

Submission:

CeGaT Center for Human Genetics Tuebingen
Classification: Uncertain significance. Last evaluated: 2022-10-01. Review status: criteria provided, single submitter. Criteria: CeGaT Center For Human Genetics Tuebingen Variant Classification Criteria Version 2. Collection method: clinical testing. Allele origin: germline. Affected: yes. Observed: 1 variant allele.
Comment: KCNH1: PM2, PP2